The following is an entry in ClinVar:

ClinVar aggregate classification (germline): Conflicting classifications of pathogenicity. Review status: criteria provided, conflicting classifications (1 of 4 stars). 2 submissions from 2 submitters: Uncertain significance (1); Likely benign (1). Last evaluated 2023-03-23.

Conditions:
Hereditary cancer-predisposing syndrome. Also called: Neoplastic Syndromes, Hereditary; Tumor predisposition; Hereditary Cancer Syndrome; Hereditary neoplastic syndrome. Identifiers: Orphanet 140162, MedGen C0027672, MeSH D009386, MONDO:0015356.

Submissions (2):

University of Washington Department of Laboratory Medicine, University of Washington
Classification: Likely benign for Hereditary cancer-predisposing syndrome. Last evaluated: 2023-03-23. Review status: criteria provided, single submitter. Criteria: Dines et al. (Genet Med. 2020). Collection method: curation. Allele origin: germline.
Comment: Missense variant in a coldspot region where missense variants are very unlikely to be pathogenic (PMID:31911673).

BRCA2 exon 11 coldspot. Reclassification based on statistical prior probability.

Ambry Genetics
Classification: Uncertain significance for Hereditary cancer-predisposing syndrome. Last evaluated: 2022-05-23. Review status: criteria provided, single submitter. Criteria: Ambry Variant Classification Scheme 2023. Collection method: clinical testing. Allele origin: germline.
Comment: The p.Y1313D variant (also known as c.3937T>G), located in coding exon 10 of the BRCA2 gene, results from a T to G substitution at nucleotide position 3937. The tyrosine at codon 1313 is replaced by aspartic acid, an amino acid with highly dissimilar properties. This amino acid position is poorly conserved in available vertebrate species. In addition, this alteration is predicted to be tolerated by in silico analysis. Since supporting evidence is limited at this time, the clinical significance of this alteration remains unclear.

NM_000059.4(BRCA2):c.3937T>G (p.Tyr1313Asp)

Gene: BRCA2 (BRCA2 DNA repair associated; plus strand). Cytogenetic location: 13q13.1.
Variant type: single nucleotide variant.
Coding change: c.3937T>G on transcript NM_000059.4 (MANE Select); coding-DNA position 3937, T replaced by G.
Protein change: p.Tyr1313Asp; replaces tyrosine 1313 with aspartic acid.
Molecular consequence: missense variant.
Genome position (GRCh38, 1-based): chr13:32,338,292, T>G. VCF-style: chr13-32338292-T-G. GRCh37 (hg19) VCF-style: chr13-32912429-T-G.
Other names: c.3937T>G, p.Tyr1313Asp (NM_001406719.1, NM_001406720.1); short protein forms Y1313D.
Identifiers: ClinVar variation 1736301 (VCV001736301.4), dbSNP rs2137501390, ClinGen allele CA387778864.